The following is an entry in ClinVar:

ClinVar aggregate classification (germline): Pathogenic. Review status: reviewed by expert panel (3 of 4 stars). 10 submissions from 10 submitters: Pathogenic (1). 9 of the submissions do not count toward it. Last evaluated 2017-12-15.

Conditions:
Hereditary cancer-predisposing syndrome. Also called: Hereditary Cancer Syndrome; Tumor predisposition; Neoplastic Syndromes, Hereditary; Hereditary neoplastic syndrome. Identifiers: Orphanet 140162, MedGen C0027672, MeSH D009386, MONDO:0015356.
Hereditary breast ovarian cancer syndrome. Also called: Breast and ovarian cancer; BRCA1- and BRCA2-Associated Hereditary Breast and Ovarian Cancer; Hereditary breast and ovarian cancer; Hereditary breast and ovarian cancer syndrome (HBOC); Hereditary breast and ovarian cancer syndrome; Hereditary breast and/or ovarian cancer syndrome. Identifiers: Orphanet 145, MedGen C0677776, MeSH D061325, MONDO:0003582. Disease mechanism: loss of function.
Breast-ovarian cancer, familial, susceptibility to, 1 (BROVCA1). Also called: BRCA1 Hereditary Breast and Ovarian Cancer; OVARIAN CANCER, SUSCEPTIBILITY TO. Identifiers: Orphanet 145, MedGen C2676676, MONDO:0011450, OMIM 604370. Disease mechanism: loss of function.

Submissions (10):

Evidence-based Network for the Interpretation of Germline Mutant Alleles (ENIGMA)
Classification: Pathogenic for Breast-ovarian cancer, familial, susceptibility to, 1. Last evaluated: 2017-12-15. Review status: reviewed by expert panel. Criteria: ENIGMA BRCA1/2 Classification Criteria (2017-06-29). Collection method: curation. Allele origin: germline. Study: ENIGMA.
Comment: Variant allele predicted to encode a truncated non-functional protein.

CeGaT Center for Human Genetics Tuebingen
Classification: Pathogenic. Last evaluated: 2026-03-01. Review status: criteria provided, single submitter. Criteria: CeGaT Center For Human Genetics Tuebingen Variant Classification Criteria Version 2. Collection method: clinical testing. Allele origin: germline. Affected: yes. Observed: 1 variant allele. Not counted in ClinVar's aggregate classification.
Comment: BRCA1: PVS1, PM2, PS4:Supporting

Ambry Genetics
Classification: Pathogenic for Hereditary cancer-predisposing syndrome. Last evaluated: 2025-01-30. Review status: criteria provided, single submitter. Criteria: Ambry Variant Classification Scheme 2023. Collection method: clinical testing. Allele origin: germline. Not counted in ClinVar's aggregate classification.
Comment: The p.Q1396* pathogenic mutation (also known as c.4186C>T), located in coding exon 11 of the BRCA1 gene, results from a C to T substitution at nucleotide position 4186. This changes the amino acid from a glutamine to a stop codon within coding exon 11. In a large, clinic-based BRCA1/2 testing cohort in Norway, this mutation was detected in one family (Heramb C et al. Hered Cancer Clin Pract. 2018 Jan;16:3). This mutation was also identified in a large, worldwide study of BRCA1/2 mutation positive families (Rebbeck TR et al. Hum. Mutat. 2018 05;39:593-620). This variant is considered to be rare based on population cohorts in the Genome Aggregation Database (gnomAD). In addition to the clinical data presented in the literature, this alteration is expected to result in loss of function by premature protein truncation or nonsense-mediated mRNA decay. As such, this alteration is interpreted as a disease-causing mutation.

Labcorp Genetics (formerly Invitae), Labcorp
Classification: Pathogenic for Hereditary breast ovarian cancer syndrome. Last evaluated: 2022-04-04. Review status: criteria provided, single submitter. Criteria: Invitae Variant Classification Sherloc (09022015). Collection method: clinical testing. Allele origin: germline. Not counted in ClinVar's aggregate classification.
Comment: This premature translational stop signal has been observed in individual(s) with breast cancer (PMID: 12585668, 25682074). For these reasons, this variant has been classified as Pathogenic. Algorithms developed to predict the effect of sequence changes on RNA splicing suggest that this variant may disrupt the consensus splice site. ClinVar contains an entry for this variant (Variation ID: 55135). This variant is not present in population databases (gnomAD no frequency). This sequence change creates a premature translational stop signal (p.Gln1396*) in the BRCA1 gene. It is expected to result in an absent or disrupted protein product. Loss-of-function variants in BRCA1 are known to be pathogenic (PMID: 20104584).

Quest Diagnostics Nichols Institute San Juan Capistrano
Classification: Pathogenic. Last evaluated: 2017-11-14. Review status: criteria provided, single submitter. Criteria: Quest Diagnostics criteria. Collection method: clinical testing. Allele origin: germline. Not counted in ClinVar's aggregate classification.

Consortium of Investigators of Modifiers of BRCA1/2 (CIMBA), c/o University of Cambridge
Classification: Pathogenic for Breast-ovarian cancer, familial, susceptibility to, 1. Last evaluated: 2015-10-02. Review status: criteria provided, single submitter. Criteria: CIMBA Mutation Classification guidelines May 2016. Collection method: clinical testing. Allele origin: germline. Not counted in ClinVar's aggregate classification.

Department of Medical Genetics, Oslo University Hospital
Classification: Pathogenic for Breast-ovarian cancer, familial, susceptibility to, 1. Last evaluated: 2015-07-01. Review status: criteria provided, single submitter. Criteria: ACMG Guidelines, 2015. Collection method: clinical testing. Allele origin: germline. Affected: yes. Observed: 2 variant alleles. Not counted in ClinVar's aggregate classification.

BRCAlab, Lund University
Classification: Pathogenic for Breast-ovarian cancer, familial, susceptibility to, 1. Last evaluated: 2022-08-26. Review status: no assertion criteria provided. Collection method: clinical testing. Allele origin: germline. Affected: yes. Not counted in ClinVar's aggregate classification.

Research Molecular Genetics Laboratory, Women's College Hospital, University of Toronto
Classification: Pathogenic for Hereditary breast ovarian cancer syndrome. Last evaluated: 2014-01-31. Review status: no assertion criteria provided. Collection method: research. Allele origin: germline. Affected: yes. Study: The Canadian Open Genetics Repository (COGR). Not counted in ClinVar's aggregate classification.

Breast Cancer Information Core (BIC) (BRCA1)
Classification: Pathogenic for Breast-ovarian cancer, familial 1. Last evaluated: 1999-06-22. Review status: no assertion criteria provided. Collection method: clinical testing. Allele origin: germline. Affected: yes. Observed: 2 variant alleles. Not counted in ClinVar's aggregate classification.

Literature cited by the submitters: PubMed 12585668 (cited by Ambry Genetics and Labcorp Genetics (formerly Invitae), Labcorp); PubMed 16280041 (cited by Ambry Genetics); PubMed 20858050 (cited by Ambry Genetics); PubMed 25525159 (cited by Ambry Genetics); PubMed 25682074 (cited by Ambry Genetics and Labcorp Genetics (formerly Invitae), Labcorp); PubMed 29339979 (cited by Ambry Genetics); PubMed 29446198 (cited by Ambry Genetics); PubMed 20104584 (cited by Labcorp Genetics (formerly Invitae), Labcorp).

NM_007294.4(BRCA1):c.4186C>T (p.Gln1396Ter)

Gene: BRCA1 (BRCA1 DNA repair associated; minus strand). Cytogenetic location: 17q21.31.
Variant type: single nucleotide variant.
Coding change: c.4186C>T on transcript NM_007294.4 (MANE Select); coding-DNA position 4186, C replaced by T.
Protein change: p.Gln1396Ter; replaces glutamine 1396 with a stop codon.
Molecular consequence: nonsense. On other transcripts: non-coding transcript variant (1).
Genome position (GRCh38, 1-based): chr17:43,082,575, G>A on the plus strand (C>T on the coding strand, the complement: BRCA1 is on the minus strand). VCF-style: chr17-43082575-G-A. GRCh37 (hg19) VCF-style: chr17-41234592-G-A.
Other names: c.4183C>T, p.Gln1395Ter (NM_001407587.1, NM_001407590.1, NM_001407591.1 and 14 more transcripts); c.4186C>T, p.Gln1396Ter (NM_001407593.1, NM_001407594.1, NM_001407596.1 and 23 more transcripts); c.4063C>T, p.Gln1355Ter (NM_001407648.1, NM_001407667.1, NM_001407668.1 and 13 more transcripts); c.4060C>T, p.Gln1354Ter (NM_001407649.1, NM_001407670.1, NM_001407671.1 and 6 more transcripts); c.4045C>T, p.Gln1349Ter (NM_001407698.1, NM_001407724.1, NM_001407725.1 and 23 more transcripts); c.4042C>T, p.Gln1348Ter (NM_001407742.1, NM_001407743.1, NM_001407744.1 and 17 more transcripts); c.3985C>T, p.Gln1329Ter (NM_001407862.1); c.3982C>T, p.Gln1328Ter (NM_001407874.1, NM_001407875.1); and 37 more; short protein forms Q1396*, Q1349*, Q293*, Q125*, Q1284*, Q1348*, Q1355*, Q1395*.
Identifiers: ClinVar variation 55135 (VCV000055135.41), dbSNP rs80357011, ClinGen allele CA002700.